The following is an entry in ClinVar:

NM_053025.4(MYLK):c.3068T>C (p.Leu1023Ser)

Gene: MYLK (myosin light chain kinase; minus strand). Cytogenetic location: 3q21.1.
Variant type: single nucleotide variant.
Coding change: c.3068T>C on transcript NM_053025.4 (MANE Select); coding-DNA position 3068, T replaced by C.
Protein change: p.Leu1023Ser; replaces leucine 1023 with serine.
Molecular consequence: missense variant.
Genome position (GRCh38, 1-based): chr3:123,700,400, A>G on the plus strand (T>C on the coding strand, the complement: MYLK is on the minus strand). VCF-style: chr3-123700400-A-G. GRCh37 (hg19) VCF-style: chr3-123419247-A-G.
Other names: c.2540T>C, p.Leu847Ser (NM_001321309.2); c.2861T>C, p.Leu954Ser (NM_053026.4, NM_053028.4); c.3068T>C, p.Leu1023Ser (NM_053027.4); short protein forms L1023S, L954S, L847S.
Identifiers: ClinVar variation 3675713 (VCV003675713.2).

ClinVar aggregate classification (germline): Uncertain significance (1 of 4 stars; one submission).

Conditions:
Aortic aneurysm, familial thoracic 7 (AAT7). Also called: AORTIC DISSECTION, FAMILIAL, WITH OR WITHOUT AORTIC ANEURYSM. Identifiers: MedGen C3151077, MONDO:0013418, OMIM 613780.

Submission:

Labcorp Genetics (formerly Invitae), Labcorp
Classification: Uncertain significance for Aortic aneurysm, familial thoracic 7. Last evaluated: 2024-10-22. Review status: criteria provided, single submitter. Criteria: Invitae Variant Classification Sherloc (09022015). Collection method: clinical testing. Allele origin: germline.
Comment: This sequence change replaces leucine, which is neutral and non-polar, with serine, which is neutral and polar, at codon 1023 of the MYLK protein (p.Leu1023Ser). This variant is not present in population databases (gnomAD no frequency). This variant has not been reported in the literature in individuals affected with MYLK-related conditions. Invitae Evidence Modeling of protein sequence and biophysical properties (such as structural, functional, and spatial information, amino acid conservation, physicochemical variation, residue mobility, and thermodynamic stability) indicates that this missense variant is not expected to disrupt MYLK protein function with a negative predictive value of 95%. In summary, the available evidence is currently insufficient to determine the role of this variant in disease. Therefore, it has been classified as a Variant of Uncertain Significance.